The following is an entry in ClinVar:

NM_001035.3(RYR2):c.11634A>G (p.Leu3878=)

Gene: RYR2 (ryanodine receptor 2; plus strand). Cytogenetic location: 1q43.
Variant type: single nucleotide variant.
Coding change: c.11634A>G on transcript NM_001035.3 (MANE Select); coding-DNA position 11634, A replaced by G.
Protein change: p.Leu3878=; no amino-acid change (leucine 3878 retained).
Molecular consequence: synonymous variant.
Genome position (GRCh38, 1-based): chr1:237,772,088, A>G. VCF-style: chr1-237772088-A-G. GRCh37 (hg19) VCF-style: chr1-237935388-A-G.
Other names: p.L3878L:CTA>CTG; c.11634A>G, p.Leu3878= (LRG_402t1).
Identifiers: ClinVar variation 138955 (VCV000138955.39), dbSNP rs587781143, ClinGen allele CA007106.

ClinVar aggregate classification (germline): Benign/Likely benign. Review status: criteria provided, multiple submitters, no conflicts (2 of 4 stars). 6 submissions from 6 submitters: Benign (1); Likely benign (5). Last evaluated 2025-04-30.

Conditions:
Cardiovascular phenotype. Identifiers: MedGen CN230736.
Catecholaminergic polymorphic ventricular tachycardia (CVPT). Also called: Catecholamine-induced polymorphic ventricular tachycardia. Identifiers: Orphanet 3286, MedGen C5574922, MONDO:0017990.
Cardiomyopathy (CMYO). Also called: Cardiomyopathies. Identifiers: Orphanet 167848, MedGen C0878544, MONDO:0004994, HP:0001638. Inheritance: Various modes of inheritance.
Catecholaminergic polymorphic ventricular tachycardia 1. Also called: VENTRICULAR TACHYCARDIA, STRESS-INDUCED POLYMORPHIC 1; VENTRICULAR TACHYCARDIA, CATECHOLAMINERGIC POLYMORPHIC, 1, WITH OR WITHOUT ATRIAL DYSFUNCTION AND/OR DILATED CARDIOMYOPATHY; RYR2-Related Catecholaminergic Polymorphic Ventricular Tachycardia. Identifiers: Orphanet 3286, MedGen C1631597, MONDO:0011484, OMIM 604772.

Allele frequency attached by ClinVar (database versions not stated): gnomAD 0.00001; gnomAD exomes 0.00001 and 0.00002; TOPMed 0.00002.
gnomAD v4.1: 33 of 1,520,008 alleles (0.0022%); highest among the groups gnomAD compares: Non-Finnish European, 0.0028%; no homozygotes.

Submissions (6):

Labcorp Genetics (formerly Invitae), Labcorp
Classification: Likely benign for Catecholaminergic polymorphic ventricular tachycardia 1. Last evaluated: 2025-04-30. Review status: criteria provided, single submitter. Criteria: Invitae Variant Classification Sherloc (09022015). Collection method: clinical testing. Allele origin: germline.

CeGaT Center for Human Genetics Tuebingen
Classification: Likely benign. Last evaluated: 2024-02-01. Review status: criteria provided, single submitter. Criteria: CeGaT Center For Human Genetics Tuebingen Variant Classification Criteria Version 2. Collection method: clinical testing. Allele origin: germline. Affected: yes. Observed: 1 variant allele.
Comment: RYR2: BP4, BP7

All of Us Research Program, National Institutes of Health
Classification: Likely benign for Catecholaminergic polymorphic ventricular tachycardia. Last evaluated: 2023-10-02. Review status: criteria provided, single submitter. Criteria: ACMG Guidelines, 2015. Collection method: clinical testing. Allele origin: germline. Inheritance: Autosomal dominant inheritance. Observed: 7 variant alleles, 7 heterozygotes.
Comment: This study involves interpretation of variants in research participants for the purpose of population health screening. Participant phenotype was not available at the time of variant classification. Additional details can be found in publication PMID: 35346344, PMCID: PMC8962531

Ambry Genetics
Classification: Likely benign for Cardiovascular phenotype. Last evaluated: 2020-12-08. Review status: criteria provided, single submitter. Criteria: Ambry Variant Classification Scheme 2023. Collection method: clinical testing. Allele origin: germline.

Color Diagnostics, LLC DBA Color Health
Classification: Likely benign for Cardiomyopathy. Last evaluated: 2018-12-31. Review status: criteria provided, single submitter. Criteria: ACMG Guidelines, 2015. Collection method: clinical testing. Allele origin: germline.

GeneDx
Classification: Benign. Last evaluated: 2013-02-06. Review status: criteria provided, single submitter. Criteria: GeneDx Variant Classification (06012015). Collection method: clinical testing. Allele origin: germline. Affected: yes.
Comment: This variant is considered likely benign or benign based on one or more of the following criteria: it is a conservative change, it occurs at a poorly conserved position in the protein, it is predicted to be benign by multiple in silico algorithms, and/or has population frequency not consistent with disease.